The following is an entry in ClinVar:

NM_007294.4(BRCA1):c.4961T>G (p.Val1654Gly)

Gene: BRCA1 (BRCA1 DNA repair associated; minus strand). Cytogenetic location: 17q21.31.
Variant type: single nucleotide variant.
Coding change: c.4961T>G on transcript NM_007294.4 (MANE Select); coding-DNA position 4961, T replaced by G.
Protein change: p.Val1654Gly; replaces valine 1654 with glycine.
Molecular consequence: missense variant. On other transcripts: non-coding transcript variant (1).
Genome position (GRCh38, 1-based): chr17:43,070,953, A>C on the plus strand (T>G on the coding strand, the complement: BRCA1 is on the minus strand). VCF-style: chr17-43070953-A-C. GRCh37 (hg19) VCF-style: chr17-41222970-A-C.
Other names: c.4748T>G, p.Val1583Gly (NM_001407571.1, NM_001407897.1, NM_001407898.1 and 12 more transcripts); c.5027T>G, p.Val1676Gly (NM_001407581.1, NM_001407582.1); c.5024T>G, p.Val1675Gly (NM_001407583.1, NM_001407585.1, NM_001407587.1 and 1 more transcripts); c.5021T>G, p.Val1674Gly (NM_001407590.1, NM_001407591.1); c.4961T>G, p.Val1654Gly (NM_001407593.1, NM_001407594.1, NM_001407596.1 and 8 more transcripts); c.4958T>G, p.Val1653Gly (NM_001407610.1, NM_001407611.1, NM_001407612.1 and 17 more transcripts); c.4955T>G, p.Val1652Gly (NM_001407627.1, NM_001407628.1, NM_001407629.1 and 14 more transcripts); c.4949T>G, p.Val1650Gly (NM_001407646.1); and 70 more; short protein forms V1607G, V1654G, V1675G, V550G, V1357G, V1485G, V1541G, V1564G.
Identifiers: ClinVar variation 865467 (VCV000865467.3), dbSNP rs1408104448, ClinGen allele CA10591600.

Conditions:
Breast-ovarian cancer, familial, susceptibility to, 1 (BROVCA1). Also called: BRCA1 Hereditary Breast and Ovarian Cancer; OVARIAN CANCER, SUSCEPTIBILITY TO. Identifiers: Orphanet 145, MedGen C2676676, MONDO:0011450, OMIM 604370. Disease mechanism: loss of function.

Submission:

Brotman Baty Institute, University of Washington
No classification provided (evidence only). Condition: Breast-ovarian cancer, familial 1. Review status: no classification provided. Collection method: in vitro. Allele origin: not applicable. Functional consequence: functionally_normal.
ClinVar note: "not provided" was previously submitted as the classification for the variant. However, the classification appeared to be based only on an observation of functional data so it was converted to no classification on 2025-07-30.